The following is an entry in ClinVar:

ClinVar aggregate classification (germline): Pathogenic (1 of 4 stars; one submission).

Allele frequency attached by ClinVar (database versions not stated): gnomAD exomes below 0.00001.

Submission:

Labcorp Genetics (formerly Invitae), Labcorp
Classification: Pathogenic. Last evaluated: 2025-03-17. Review status: criteria provided, single submitter. Criteria: Invitae Variant Classification Sherloc (09022015). Collection method: clinical testing. Allele origin: germline.
Comment: This sequence change creates a premature translational stop signal (p.Leu33Serfs*150) in the ADAMTSL4 gene. It is expected to result in an absent or disrupted protein product. Loss-of-function variants in ADAMTSL4 are known to be pathogenic (PMID: 20564469, 28642162). This variant is present in population databases (no rsID available, gnomAD 0.0009%). This variant has not been reported in the literature in individuals affected with ADAMTSL4-related conditions. ClinVar contains an entry for this variant (Variation ID: 2853980). For these reasons, this variant has been classified as Pathogenic.

Literature cited by the submitters: PubMed 20564469; PubMed 28642162.

NM_019032.6(ADAMTSL4):c.96dup (p.Leu33fs)

Genes: ADAMTSL4 (ADAMTS like 4; plus strand), ADAMTSL4-AS2 (ADAMTSL4 antisense RNA 2; minus strand). Cytogenetic location: 1q21.2.
Variant type: Duplication.
Coding change: c.96dup on transcript NM_019032.6 (MANE Select); coding-DNA position 96, one base duplicated (T; older notation c.96dupT).
Protein change: p.Leu33fs; shifts the reading frame from leucine 33.
Molecular consequence: frameshift variant. On other transcripts: non-coding transcript variant (1).
Genome position (GRCh38, 1-based): chr1:150,552,915, T duplicated. VCF-style (leftmost placement, unchanged base first): chr1-150552914-C-CT. GRCh37 (hg19) VCF-style: chr1-150525390-C-CT.
Other names: c.96dup, p.Leu33fs (NM_001288607.2, NM_001288608.2, NM_001378596.1 and 1 more transcripts); short protein forms L33fs.
Identifiers: ClinVar variation 2853980 (VCV002853980.3), dbSNP rs1166699028, ClinGen allele CA526261010.